The following is an entry in ClinVar:

NM_000038.6(APC):c.2419G>C (p.Asp807His)

Gene: APC (APC regulator of Wnt signaling pathway; plus strand). Cytogenetic location: 5q22.2.
Variant type: single nucleotide variant.
Coding change: c.2419G>C on transcript NM_000038.6 (MANE Select); coding-DNA position 2419, G replaced by C.
Protein change: p.Asp807His; replaces aspartic acid 807 with histidine.
Molecular consequence: missense variant.
Genome position (GRCh38, 1-based): chr5:112,838,013, G>C. VCF-style: chr5-112838013-G-C. GRCh37 (hg19) VCF-style: chr5-112173710-G-C.
Other names: c.2419G>C, p.Asp807His (NM_001354895.2, NM_001127510.3); c.2473G>C, p.Asp825His (NM_001354896.2); c.2449G>C, p.Asp817His (NM_001354897.2); c.2344G>C, p.Asp782His (NM_001354898.2); c.2335G>C, p.Asp779His (NM_001354899.2); c.2296G>C, p.Asp766His (NM_001354900.2); c.2242G>C, p.Asp748His (NM_001354901.2); c.2146G>C, p.Asp716His (NM_001354902.2); and 5 more; short protein forms D524H, D647H, D681H, D706H, D716H, D748H, D766H, D779H.
Identifiers: ClinVar variation 1018828 (VCV001018828.10), dbSNP rs1580621879, ClinGen allele CA16026643.

ClinVar aggregate classification (germline): Uncertain significance (1 of 4 stars; one submission).

Conditions:
Familial adenomatous polyposis 1 (FAP1). Also called: POLYPOSIS, ADENOMATOUS INTESTINAL; FAMILIAL ADENOMATOUS POLYPOSIS 1, ATTENUATED. Identifiers: MedGen C2713442, MONDO:0021056, OMIM 175100. Disease mechanism: loss of function.

Submission:

Labcorp Genetics (formerly Invitae), Labcorp
Classification: Uncertain significance for Familial adenomatous polyposis 1. Last evaluated: 2023-07-10. Review status: criteria provided, single submitter. Criteria: Invitae Variant Classification Sherloc (09022015). Collection method: clinical testing. Allele origin: germline.
Comment: In summary, the available evidence is currently insufficient to determine the role of this variant in disease. Therefore, it has been classified as a Variant of Uncertain Significance. Advanced modeling of protein sequence and biophysical properties (such as structural, functional, and spatial information, amino acid conservation, physicochemical variation, residue mobility, and thermodynamic stability) performed at Invitae indicates that this missense variant is not expected to disrupt APC protein function. ClinVar contains an entry for this variant (Variation ID: 1018828). This variant has not been reported in the literature in individuals affected with APC-related conditions. This variant is not present in population databases (gnomAD no frequency). This sequence change replaces aspartic acid, which is acidic and polar, with histidine, which is basic and polar, at codon 807 of the APC protein (p.Asp807His).